The following is an entry in ClinVar:

NM_001848.3(COL6A1):c.957_957+7del

Gene: COL6A1 (collagen type VI alpha 1 chain; plus strand). Cytogenetic location: 21q22.3.
Variant type: Deletion.
Coding change: c.957_957+7del on transcript NM_001848.3 (MANE Select); coding-DNA position 957 through 7 bases into the intron after coding-DNA position 957, 8 bases deleted (GGTGAGCG; older notation c.957_957+7delGGTGAGCG).
Molecular consequence: splice donor variant.
Genome position (GRCh38, 1-based): chr21:45,990,284-45,990,291, GGTGAGCG deleted. VCF-style (leftmost placement, unchanged base first): chr21-45990283-AGGTGAGCG-A. GRCh37 (hg19) VCF-style: chr21-47410197-AGGTGAGCG-A.
Identifiers: ClinVar variation 476443 (VCV000476443.12), dbSNP rs1556425687, ClinGen allele CA658656798.

ClinVar aggregate classification (germline): Pathogenic/Likely pathogenic. Review status: criteria provided, multiple submitters, no conflicts (2 of 4 stars). 2 submissions from 2 submitters: Pathogenic (1); Likely pathogenic (1). Last evaluated 2017-04-05.

Conditions:
Bethlem myopathy 1A. Also called: Bethlem Muscular Dystrophy; MYOPATHY, BENIGN CONGENITAL, WITH CONTRACTURES; Bethlem myopathy 1. Identifiers: Orphanet 610, MedGen CN029274, MONDO:0024530, OMIM 158810.

Submissions (2):

Labcorp Genetics (formerly Invitae), Labcorp
Classification: Likely pathogenic for Bethlem myopathy 1A. Last evaluated: 2017-04-05. Review status: criteria provided, single submitter. Criteria: Invitae Variant Classification Sherloc (09022015). Collection method: clinical testing. Allele origin: germline.
Comment: This variant has not been reported in the literature in individuals with a COL6A1-related disease. In summary, donor and acceptor splice site variants are typically loss-of-function (PMID: 16199547), and loss-of-function variants in COL6A1 are known to be pathogenic in autosomal recessive COL6A1-related conditions (PMID: 21280092, 20976770). In addition, donor and acceptor splice site variants in COL6A1 that result in in-frame exon skipping have also been reported to cause autosomal dominant COL6A1-related conditions (PMID: 1788629). However, without additional functional and/or genetic data, this variant has been classified as Likely Pathogenic. This sequence change deletes 8 nucleotides including a donor splice site in intron 12 of the COL6A1 gene. It is expected to disrupt RNA splicing and likely results in a disrupted protein product.

Eurofins Ntd Llc (ga)
Classification: Pathogenic. Last evaluated: 2015-12-14. Review status: criteria provided, single submitter. Criteria: EGL Classification Definitions 2015. Collection method: clinical testing. Allele origin: germline.

Literature cited by the submitters: PubMed 16199547 (cited by Labcorp Genetics (formerly Invitae), Labcorp); PubMed 21280092 (cited by Labcorp Genetics (formerly Invitae), Labcorp); PubMed 20976770 (cited by Labcorp Genetics (formerly Invitae), Labcorp); PubMed 1788629 (cited by Labcorp Genetics (formerly Invitae), Labcorp).